The following is an entry in ClinVar:

ClinVar aggregate classification (germline): Uncertain significance (1 of 4 stars; one submission).

Submission:

Women's Health and Genetics/Laboratory Corporation of America, LabCorp
Classification: Uncertain significance. Last evaluated: 2026-06-12. Review status: criteria provided, single submitter. Criteria: LabCorp Variant Classification Summary - May 2015. Collection method: clinical testing. Allele origin: germline.
Comment: Variant summary: CDH11 c.1168C>A (p.His390Asn) results in a conservative amino acid change in the encoded protein sequence. Algorithms developed to predict the effect of missense changes on protein structure and function all suggest that this variant is likely to be tolerated. The variant was absent in 251210 control chromosomes. The available data on variant occurrences in the general population are insufficient to allow any conclusion about variant significance. To our knowledge, no occurrence of c.1168C>A in individuals affected with CDH11-related conditions and no experimental evidence demonstrating its impact on protein function have been reported. No submitters have cited clinical-significance assessments for this variant to ClinVar. Based on the evidence outlined above, the variant was classified as uncertain significance.

NM_001797.4(CDH11):c.1168C>A (p.His390Asn)

Gene: CDH11 (cadherin 11; minus strand). Cytogenetic location: 16q21.
Variant type: single nucleotide variant.
Coding change: c.1168C>A on transcript NM_001797.4 (MANE Select); coding-DNA position 1168, C replaced by A.
Protein change: p.His390Asn; replaces histidine 390 with asparagine.
Molecular consequence: missense variant.
Genome position (GRCh38, 1-based): chr16:64,982,133, G>T on the plus strand (C>A on the coding strand, the complement: CDH11 is on the minus strand). VCF-style: chr16-64982133-G-T. GRCh37 (hg19) VCF-style: chr16-65016036-G-T.
Other names: c.1168C>A, p.His390Asn (NM_001308392.2); c.790C>A, p.His264Asn (NM_001330576.2); short protein forms H264N, H390N.
Identifiers: ClinVar variation 4887299 (VCV004887299.1).